The following is an entry in ClinVar:

ClinVar aggregate classification (germline): Conflicting classifications of pathogenicity. Review status: criteria provided, conflicting classifications (1 of 4 stars). 4 submissions from 3 submitters: Uncertain significance (1); Likely benign (3). Last evaluated 2024-05-01.

Conditions:
Charcot-Marie-Tooth disease type 2. Also called: Charcot-Marie-Tooth type 2. Identifiers: Orphanet 64746, MedGen C0270914, MONDO:0018993.
Hereditary motor and sensory neuropathy with optic atrophy. Also called: PERIPHERAL NEUROPATHY AND OPTIC ATROPHY; CHARCOT-MARIE-TOOTH DISEASE, TYPE 6. Identifiers: Orphanet 90120, MedGen C0393807, MONDO:0019551.

Allele frequency attached by ClinVar (database versions not stated): TOPMed below 0.00001; gnomAD 0.00001 and 0.00002; gnomAD exomes 0.00002; ExAC 0.00005; ESP Exome Variant Server 0.00008; 1000 Genomes Project 30x 0.00016; 1000 Genomes Project 0.00020.
gnomAD v4.1: 21 of 1,614,116 alleles (0.0013%); highest among the groups gnomAD compares: African/African-American, 0.0053%; no homozygotes.

Submissions (4):

Labcorp Genetics (formerly Invitae), Labcorp
Classification: Likely benign for Charcot-Marie-Tooth disease type 2. Last evaluated: 2024-05-01. Review status: criteria provided, single submitter. Criteria: Invitae Variant Classification Sherloc (09022015). Collection method: clinical testing. Allele origin: germline.

Blueprint Genetics
Classification: Likely benign. Last evaluated: 2024-02-16. Review status: criteria provided, single submitter. Criteria: ACMG Guidelines, 2015. Collection method: clinical testing. Allele origin: germline.

Illumina Laboratory Services, Illumina
Classification: Uncertain significance for Charcot-Marie-Tooth disease, type 2. Last evaluated: 2018-01-12. Review status: criteria provided, single submitter. Criteria: ICSL Variant Classification Criteria 13 December 2019. Collection method: clinical testing. Allele origin: germline.

Illumina Laboratory Services, Illumina
Classification: Likely benign for Neuropathy, hereditary motor and sensory, type 6A. Last evaluated: 2018-01-12. Review status: criteria provided, single submitter. Criteria: ICSL Variant Classification Criteria 13 December 2019. Collection method: clinical testing. Allele origin: germline.
Comment: This variant was observed in the ICSL laboratory as part of a predisposition screen in an ostensibly healthy population. It had not been previously curated by ICSL or reported in the Human Gene Mutation Database (HGMD: prior to June 1st, 2018), and was therefore a candidate for classification through an automated scoring system. Utilizing variant allele frequency, disease prevalence and penetrance estimates, and inheritance mode, an automated score was calculated to assess if this variant is too frequent to cause the disease. Based on the score and internal cut-off values, a variant classified as likely benign is not then subjected to further curation. The score for this variant resulted in a classification of likely benign for this disease.

NM_014874.4(MFN2):c.2204+13C>T

Gene: MFN2 (mitofusin 2; plus strand). Cytogenetic location: 1p36.22.
Variant type: single nucleotide variant.
Coding change: c.2204+13C>T on transcript NM_014874.4 (MANE Select); 13 bases into the intron after coding-DNA position 2204, C replaced by T.
Molecular consequence: intron variant.
Genome position (GRCh38, 1-based): chr1:12,009,739, C>T. VCF-style: chr1-12009739-C-T. GRCh37 (hg19) VCF-style: chr1-12069796-C-T.
Other names: c.2204+13C>T (NM_001127660.2).
Identifiers: ClinVar variation 873853 (VCV000873853.9), dbSNP rs200441797, ClinGen allele CA599361.